The following is an entry in ClinVar:

NM_003000.3(SDHB):c.397A>C (p.Met133Leu)

Gene: SDHB (succinate dehydrogenase complex iron sulfur subunit B; minus strand). Cytogenetic location: 1p36.13.
Variant type: single nucleotide variant.
Coding change: c.397A>C on transcript NM_003000.3 (MANE Select); coding-DNA position 397, A replaced by C.
Protein change: p.Met133Leu; replaces methionine 133 with leucine.
Molecular consequence: missense variant. On other transcripts: intron variant (1).
Genome position (GRCh38, 1-based): chr1:17,028,626, T>G on the plus strand (A>C on the coding strand, the complement: SDHB is on the minus strand). VCF-style: chr1-17028626-T-G. GRCh37 (hg19) VCF-style: chr1-17355121-T-G.
Other names: c.369+28A>C (NM_001407361.1); short protein forms M133L.
Identifiers: ClinVar variation 4782827 (VCV004782827.1).

ClinVar aggregate classification (germline): Uncertain significance (1 of 4 stars; one submission).

Conditions:
Pheochromocytoma. Also called: MAX-Related Hereditary Paraganglioma-Pheochromocytoma Syndrome. Identifiers: Orphanet 29072, MedGen C0031511, MONDO:0008233, OMIM 171300, HP:0002666.
Gastrointestinal stromal tumor. Also called: Gastrointestinal stroma tumor; Gastrointestinal stromal tumor, somatic. Identifiers: Orphanet 44890, MedGen C0238198, MeSH D046152, MONDO:0011719, OMIM 606764, HP:0100723.
Pheochromocytoma/paraganglioma syndrome 4. Also called: CAROTID BODY TUMORS AND MULTIPLE EXTRAADRENAL PHEOCHROMOCYTOMAS; PARAGANGLIOMA, FAMILIAL MALIGNANT; PARAGANGLIOMAS, HEREDITARY EXTRAADRENAL; PHEOCHROMOCYTOMA, FAMILIAL EXTRAADRENAL; Paragangliomas 4; SDHB-Related Hereditary Paraganglioma-Pheochromocytoma Syndrome (Paragangliomas 4). Identifiers: Orphanet 29072, MedGen C1861848, MONDO:0007273, OMIM 115310.

Submission:

Labcorp Genetics (formerly Invitae), Labcorp
Classification: Uncertain significance for Gastrointestinal stromal tumor; Pheochromocytoma/paraganglioma syndrome 4; Pheochromocytoma. Last evaluated: 2025-03-27. Review status: criteria provided, single submitter. Criteria: Invitae Variant Classification Sherloc (09022015). Collection method: clinical testing. Allele origin: germline.
Comment: This sequence change replaces methionine, which is neutral and non-polar, with leucine, which is neutral and non-polar, at codon 133 of the SDHB protein (p.Met133Leu). This variant is not present in population databases (gnomAD no frequency). This variant has not been reported in the literature in individuals affected with SDHB-related conditions. Invitae Evidence Modeling of protein sequence and biophysical properties (such as structural, functional, and spatial information, amino acid conservation, physicochemical variation, residue mobility, and thermodynamic stability) indicates that this missense variant is not expected to disrupt SDHB protein function with a negative predictive value of 80%. In summary, the available evidence is currently insufficient to determine the role of this variant in disease. Therefore, it has been classified as a Variant of Uncertain Significance.